The following is an entry in ClinVar:

NM_001429.4(EP300):c.6342G>A (p.Gln2114=)

Gene: EP300 (EP300 lysine acetyltransferase; plus strand). Cytogenetic location: 22q13.2.
Variant type: single nucleotide variant.
Coding change: c.6342G>A on transcript NM_001429.4 (MANE Select); coding-DNA position 6342, G replaced by A.
Protein change: p.Gln2114=; no amino-acid change (glutamine 2114 retained).
Molecular consequence: synonymous variant.
Genome position (GRCh38, 1-based): chr22:41,178,053, G>A. VCF-style: chr22-41178053-G-A. GRCh37 (hg19) VCF-style: chr22-41574057-G-A.
Other names: c.6264G>A, p.Gln2088= (NM_001362843.2); c.6342G>A (NM_001429.3).
Identifiers: ClinVar variation 3067724 (VCV003067724.21), dbSNP rs141593868, ClinGen allele CA10253833.

ClinVar aggregate classification (germline): Likely benign. Review status: criteria provided, single submitter (1 of 4 stars). 2 submissions from 2 submitters: Likely benign (1). 1 of the submissions does not count toward it. Last evaluated 2024-03-01.

Conditions:
EP300-related disorder. Also called: EP300-related condition; EP300-related disorders.

Allele frequency attached by ClinVar (database versions not stated): gnomAD exomes below 0.00001; ExAC 0.00001; ESP Exome Variant Server 0.00008.
gnomAD v4.1: 4 of 1,614,104 alleles (0.00025%); highest among the groups gnomAD compares: African/African-American, 0.0013%; no homozygotes.

Submissions (2):

CeGaT Center for Human Genetics Tuebingen
Classification: Likely benign. Last evaluated: 2024-03-01. Review status: criteria provided, single submitter. Criteria: CeGaT Center For Human Genetics Tuebingen Variant Classification Criteria Version 2. Collection method: clinical testing. Allele origin: germline. Affected: yes. Observed: 1 variant allele.
Comment: EP300: BP4

PreventionGenetics, part of Exact Sciences
Classification: Likely benign for EP300-related condition. Last evaluated: 2022-07-06. Review status: no assertion criteria provided. Collection method: clinical testing. Allele origin: germline. Not counted in ClinVar's aggregate classification.
Comment: This variant is classified as likely benign based on ACMG/AMP sequence variant interpretation guidelines (Richards et al. 2015 PMID: 25741868, with internal and published modifications).